The following is an entry in ClinVar:

NM_006421.5(ARFGEF1):c.2742A>T (p.Glu914Asp)

Gene: ARFGEF1 (ARF guanine nucleotide exchange factor 1; minus strand). Cytogenetic location: 8q13.2.
Variant type: single nucleotide variant.
Coding change: c.2742A>T on transcript NM_006421.5 (MANE Select); coding-DNA position 2742, A replaced by T.
Protein change: p.Glu914Asp; replaces glutamic acid 914 with aspartic acid.
Molecular consequence: missense variant. On other transcripts: non-coding transcript variant (1).
Genome position (GRCh38, 1-based): chr8:67,251,407, T>A on the plus strand (A>T on the coding strand, the complement: ARFGEF1 is on the minus strand). VCF-style: chr8-67251407-T-A. GRCh37 (hg19) VCF-style: chr8-68163642-T-A.
Other names: c.2742A>T, p.Glu914Asp (NM_001413184.1, NM_001413185.1, NM_001413186.1 and 6 more transcripts); c.2142A>T, p.Glu714Asp (NM_001413188.1, NM_001413193.1, NM_001413197.1); c.2736A>T, p.Glu912Asp (NM_001413190.1); c.1317A>T, p.Glu439Asp (NM_001413196.1); short protein forms E439D, E714D, E912D, E914D.
Identifiers: ClinVar variation 4070640 (VCV004070640.2).

ClinVar aggregate classification (germline): Uncertain significance (1 of 4 stars; one submission).

Submission:

GeneDx
Classification: Uncertain significance. Last evaluated: 2025-12-16. Review status: criteria provided, single submitter. Criteria: GeneDx Variant Classification Process June 2021. Collection method: clinical testing. Allele origin: germline.
Comment: Not observed at significant frequency in large population cohorts (gnomAD); In silico analysis supports that this missense variant has a deleterious effect on protein structure/function; Has not been previously published as pathogenic or benign to our knowledge